The following is an entry in ClinVar:

ClinVar aggregate classification (germline): Uncertain significance (1 of 4 stars; one submission).

Submission:

Labcorp Genetics (formerly Invitae), Labcorp
Classification: Uncertain significance. Last evaluated: 2024-10-23. Review status: criteria provided, single submitter. Criteria: Invitae Variant Classification Sherloc (09022015). Collection method: clinical testing. Allele origin: germline.
Comment: This sequence change replaces serine, which is neutral and polar, with cysteine, which is neutral and slightly polar, at codon 139 of the KMT2B protein (p.Ser139Cys). This variant is present in population databases (no rsID available, gnomAD 0.1%). This variant has not been reported in the literature in individuals affected with KMT2B-related conditions. Invitae Evidence Modeling of protein sequence and biophysical properties (such as structural, functional, and spatial information, amino acid conservation, physicochemical variation, residue mobility, and thermodynamic stability) indicates that this missense variant is not expected to disrupt KMT2B protein function with a negative predictive value of 95%. In summary, the available evidence is currently insufficient to determine the role of this variant in disease. Therefore, it has been classified as a Variant of Uncertain Significance.

NM_014727.3(KMT2B):c.416C>G (p.Ser139Cys)

Gene: KMT2B (lysine methyltransferase 2B; plus strand). Cytogenetic location: 19q13.12.
Variant type: single nucleotide variant.
Coding change: c.416C>G on transcript NM_014727.3 (MANE Select); coding-DNA position 416, C replaced by G.
Protein change: p.Ser139Cys; replaces serine 139 with cysteine.
Molecular consequence: missense variant.
Genome position (GRCh38, 1-based): chr19:35,719,521, C>G. VCF-style: chr19-35719521-C-G. GRCh37 (hg19) VCF-style: chr19-36210423-C-G.
Other names: short protein forms S139C.
Identifiers: ClinVar variation 3684994 (VCV003684994.2).